The following is an entry in ClinVar:

NM_000426.4(LAMA2):c.1748A>G (p.Tyr583Cys)

Gene: LAMA2 (laminin subunit alpha 2; plus strand). Cytogenetic location: 6q22.33.
Variant type: single nucleotide variant.
Coding change: c.1748A>G on transcript NM_000426.4 (MANE Select); coding-DNA position 1748, A replaced by G.
Protein change: p.Tyr583Cys; replaces tyrosine 583 with cysteine.
Molecular consequence: missense variant.
Genome position (GRCh38, 1-based): chr6:129,192,819, A>G. VCF-style: chr6-129192819-A-G. GRCh37 (hg19) VCF-style: chr6-129513964-A-G.
Other names: p.Tyr583Cys; c.1748A>G, p.Tyr583Cys (NM_001079823.2); c.1748A>G (NM_000426.3); short protein forms Y583C.
Identifiers: ClinVar variation 1377523 (VCV001377523.11), dbSNP rs370965146, ClinGen allele CA3992720.

ClinVar aggregate classification (germline): Uncertain significance. Review status: criteria provided, multiple submitters, no conflicts (2 of 4 stars). 4 submissions from 4 submitters: Uncertain significance (4). Last evaluated 2025-05-16.

Conditions:
LAMA2-related muscular dystrophy (LAMA2-RD). Also called: Laminin alpha 2-related dystrophy. Identifiers: MedGen C5679788, MONDO:0100228.

Allele frequency attached by ClinVar (database versions not stated): ExAC 0.00001; gnomAD 0.00001; gnomAD exomes 0.00002; TOPMed 0.00002; ESP Exome Variant Server 0.00008.
gnomAD v4.1: 40 of 1,614,048 alleles (0.0025%); highest among the groups gnomAD compares: Admixed American, 0.0067%; no homozygotes.

Submissions (4):

Labcorp Genetics (formerly Invitae), Labcorp
Classification: Uncertain significance for LAMA2-related muscular dystrophy. Last evaluated: 2025-05-16. Review status: criteria provided, single submitter. Criteria: Invitae Variant Classification Sherloc (09022015). Collection method: clinical testing. Allele origin: germline.
Comment: This sequence change replaces tyrosine, which is neutral and polar, with cysteine, which is neutral and slightly polar, at codon 583 of the LAMA2 protein (p.Tyr583Cys). This variant is present in population databases (rs370965146, gnomAD 0.01%). This variant has not been reported in the literature in individuals affected with LAMA2-related conditions. ClinVar contains an entry for this variant (Variation ID: 1377523). Invitae Evidence Modeling of protein sequence and biophysical properties (such as structural, functional, and spatial information, amino acid conservation, physicochemical variation, residue mobility, and thermodynamic stability) indicates that this missense variant is not expected to disrupt LAMA2 protein function with a negative predictive value of 95%. In summary, the available evidence is currently insufficient to determine the role of this variant in disease. Therefore, it has been classified as a Variant of Uncertain Significance.

Revvity Omics, Revvity
Classification: Uncertain significance. Last evaluated: 2024-04-17. Review status: criteria provided, single submitter. Criteria: ACMG Guidelines, 2015. Collection method: clinical testing. Allele origin: germline.

Mayo Clinic Laboratories, Mayo Clinic
Classification: Uncertain significance. Last evaluated: 2023-11-29. Review status: criteria provided, single submitter. Criteria: ACMG Guidelines, 2015. Collection method: clinical testing. Allele origin: germline. Observed: 1 variant allele.
Comment: PM2_moderate

Blueprint Genetics
Classification: Uncertain significance. Last evaluated: 2022-10-06. Review status: criteria provided, single submitter. Criteria: ACMG Guidelines, 2015. Collection method: clinical testing. Allele origin: germline.